The following is an entry in ClinVar:

NM_022367.4(SEMA4A):c.151A>T (p.Arg51Trp)

Gene: SEMA4A (semaphorin 4A; plus strand). Cytogenetic location: 1q22.
Variant type: single nucleotide variant.
Coding change: c.151A>T on transcript NM_022367.4 (MANE Select); coding-DNA position 151, A replaced by T.
Protein change: p.Arg51Trp; replaces arginine 51 with tryptophan.
Molecular consequence: missense variant. On other transcripts: 5 prime UTR variant (4).
Genome position (GRCh38, 1-based): chr1:156,156,425, A>T. VCF-style: chr1-156156425-A-T. GRCh37 (hg19) VCF-style: chr1-156126216-A-T.
Other names: c.151A>T, p.Arg51Trp (NM_001193300.2, NM_001193301.2, NM_001370567.1); c.-147A>T (NM_001193302.2, NM_001370568.1); c.-374A>T (NM_001370569.1, NM_001370571.1); short protein forms R51W.
Identifiers: ClinVar variation 2785453 (VCV002785453.3), dbSNP rs772060056, ClinGen allele CA1154940.

ClinVar aggregate classification (germline): Uncertain significance (1 of 4 stars; one submission).

Allele frequency attached by ClinVar (database versions not stated): gnomAD exomes below 0.00001; TOPMed below 0.00001; ExAC 0.00002.
gnomAD v4.1: 1 of 1,614,102 alleles (0.000062%); no homozygotes.

Submission:

Labcorp Genetics (formerly Invitae), Labcorp
Classification: Uncertain significance. Last evaluated: 2023-06-13. Review status: criteria provided, single submitter. Criteria: Invitae Variant Classification Sherloc (09022015). Collection method: clinical testing. Allele origin: germline.
Comment: In summary, the available evidence is currently insufficient to determine the role of this variant in disease. Therefore, it has been classified as a Variant of Uncertain Significance. Advanced modeling of protein sequence and biophysical properties (such as structural, functional, and spatial information, amino acid conservation, physicochemical variation, residue mobility, and thermodynamic stability) performed at Invitae indicates that this missense variant is expected to disrupt SEMA4A protein function. This variant has not been reported in the literature in individuals affected with SEMA4A-related conditions. This variant is present in population databases (rs772060056, gnomAD 0.01%). This sequence change replaces arginine, which is basic and polar, with tryptophan, which is neutral and slightly polar, at codon 51 of the SEMA4A protein (p.Arg51Trp).